The following is an entry in ClinVar:

NM_001352027.3(PHF21A):c.424A>G (p.Thr142Ala)

Gene: PHF21A (PHD finger protein 21A; minus strand). Cytogenetic location: 11p11.2.
Variant type: single nucleotide variant.
Coding change: c.424A>G on transcript NM_001352027.3 (MANE Select); coding-DNA position 424, A replaced by G.
Protein change: p.Thr142Ala; replaces threonine 142 with alanine.
Molecular consequence: missense variant. On other transcripts: non-coding transcript variant (2).
Genome position (GRCh38, 1-based): chr11:45,971,304, T>C on the plus strand (A>G on the coding strand, the complement: PHF21A is on the minus strand). VCF-style: chr11-45971304-T-C. GRCh37 (hg19) VCF-style: chr11-45992855-T-C.
Other names: c.424A>G, p.Thr142Ala (NM_001101802.3, NM_001352025.3, NM_001352026.3 and 5 more transcripts); c.421A>G, p.Thr141Ala (NM_001352030.3); short protein forms T141A, T142A.
Identifiers: ClinVar variation 3339894 (VCV003339894.2).

ClinVar aggregate classification (germline): Uncertain significance. Review status: criteria provided, multiple submitters, no conflicts (2 of 4 stars). 2 submissions from 2 submitters: Uncertain significance (2). Last evaluated 2025-06-08.

gnomAD v4.1: 11 of 1,614,166 alleles (0.00068%); highest among the groups gnomAD compares: Admixed American, 0.0017%; no homozygotes.

Submissions (2):

Labcorp Genetics (formerly Invitae), Labcorp
Classification: Uncertain significance. Last evaluated: 2025-06-08. Review status: criteria provided, single submitter. Criteria: Invitae Variant Classification Sherloc (09022015). Collection method: clinical testing. Allele origin: germline.
Comment: This sequence change replaces threonine, which is neutral and polar, with alanine, which is neutral and non-polar, at codon 142 of the PHF21A protein (p.Thr142Ala). This variant is not present in population databases (gnomAD no frequency). This variant has not been reported in the literature in individuals affected with PHF21A-related conditions. ClinVar contains an entry for this variant (Variation ID: 3339894). Invitae Evidence Modeling of protein sequence and biophysical properties (such as structural, functional, and spatial information, amino acid conservation, physicochemical variation, residue mobility, and thermodynamic stability) indicates that this missense variant is not expected to disrupt PHF21A protein function with a negative predictive value of 80%. In summary, the available evidence is currently insufficient to determine the role of this variant in disease. Therefore, it has been classified as a Variant of Uncertain Significance.

Women's Health and Genetics/Laboratory Corporation of America, LabCorp
Classification: Uncertain significance. Last evaluated: 2024-06-21. Review status: criteria provided, single submitter. Criteria: LabCorp Variant Classification Summary - May 2015. Collection method: clinical testing. Allele origin: germline.
Comment: Variant summary: PHF21A c.424A>G (p.Thr142Ala) results in a non-conservative amino acid change in the encoded protein sequence. Three of five in-silico tools predict a damaging effect of the variant on protein function. The variant was absent in 251380 control chromosomes (gnomAD). The available data on variant occurrences in the general population are insufficient to allow any conclusion about variant significance. To our knowledge, no occurrence of c.424A>G in individuals affected with Intellectual Developmental Disorder With Behavioral Abnormalities And Craniofacial Dysmorphism With Or Without Seizures and no experimental evidence demonstrating its impact on protein function have been reported. No submitters have cited clinical-significance assessments for this variant to ClinVar. Based on the evidence outlined above, the variant was classified as uncertain significance.